The following is an entry in ClinVar:

ClinVar aggregate classification (germline): Uncertain significance. Review status: criteria provided, multiple submitters, no conflicts (2 of 4 stars). 2 submissions from 2 submitters: Uncertain significance (2). Last evaluated 2024-06-22.

Conditions:
Familial hypobetalipoproteinemia 1. Also called: Hypobetalipoproteinemia, normotriglyceridemic; Acanthocytosis with hypobetalipoproteinemia; APOB-Related Familial Hypobetalipoproteinemia. Identifiers: MedGen C4551990, MONDO:0014252, OMIM 615558.
Hypercholesterolemia, autosomal dominant, type B (FHCL2). Also called: Familial Hypercholesterolemia Type B; HYPERCHOLESTEROLEMIA, FAMILIAL, DUE TO LIGAND-DEFECTIVE APOLIPOPROTEIN B; Familial hypercholesterolemia 2; APOB-Related Familial Hypercholesterolemia, Autosomal Dominant; APOLIPOPROTEIN B-100, FAMILIAL DEFECTIVE; APOLIPOPROTEIN B-100, FAMILIAL LIGAND-DEFECTIVE. Identifiers: MedGen C1704417, MONDO:0007751, OMIM 144010.
Cardiovascular phenotype. Identifiers: MedGen CN230736.

Allele frequency attached by ClinVar (database versions not stated): gnomAD exomes below 0.00001; TOPMed 0.00001.

Submissions (2):

Ambry Genetics
Classification: Uncertain significance for Cardiovascular phenotype. Last evaluated: 2024-06-22. Review status: criteria provided, single submitter. Criteria: Ambry Variant Classification Scheme 2023. Collection method: clinical testing. Allele origin: germline.
Comment: The p.I2761T variant (also known as c.8282T>C), located in coding exon 26 of the APOB gene, results from a T to C substitution at nucleotide position 8282. The isoleucine at codon 2761 is replaced by threonine, an amino acid with similar properties. This amino acid position is conserved. In addition, this alteration is predicted to be tolerated by in silico analysis. Based on the available evidence, the clinical significance of this variant remains unclear.

Labcorp Genetics (formerly Invitae), Labcorp
Classification: Uncertain significance for Familial hypobetalipoproteinemia 1; Hypercholesterolemia, autosomal dominant, type B. Last evaluated: 2022-06-09. Review status: criteria provided, single submitter. Criteria: Invitae Variant Classification Sherloc (09022015). Collection method: clinical testing. Allele origin: germline.
Comment: In summary, the available evidence is currently insufficient to determine the role of this variant in disease. Therefore, it has been classified as a Variant of Uncertain Significance. Algorithms developed to predict the effect of missense changes on protein structure and function output the following: SIFT: "Deleterious"; PolyPhen-2: "Benign"; Align-GVGD: "Class C0". The threonine amino acid residue is found in multiple mammalian species, which suggests that this missense change does not adversely affect protein function. ClinVar contains an entry for this variant (Variation ID: 925368). This variant has not been reported in the literature in individuals affected with APOB-related conditions. This variant is not present in population databases (gnomAD no frequency). This sequence change replaces isoleucine, which is neutral and non-polar, with threonine, which is neutral and polar, at codon 2761 of the APOB protein (p.Ile2761Thr).

NM_000384.3(APOB):c.8282T>C (p.Ile2761Thr)

Gene: APOB (apolipoprotein B; minus strand). Cytogenetic location: 2p24.1.
Variant type: single nucleotide variant.
Coding change: c.8282T>C on transcript NM_000384.3 (MANE Select); coding-DNA position 8282, T replaced by C.
Protein change: p.Ile2761Thr; replaces isoleucine 2761 with threonine.
Molecular consequence: missense variant.
Genome position (GRCh38, 1-based): chr2:21,008,586, A>G on the plus strand (T>C on the coding strand, the complement: APOB is on the minus strand). VCF-style: chr2-21008586-A-G. GRCh37 (hg19) VCF-style: chr2-21231458-A-G.
Other names: short protein forms I2761T.
Identifiers: ClinVar variation 925368 (VCV000925368.6), dbSNP rs1343824912, ClinGen allele CA345994764.
Genomic context (GRCh38, chr2:21,008,586, plus strand): 5'-GTTCCATTCCCTATGTCAGCATTTGCATCTAATGTGAAAAGAGGAGATTGGATTTTCAGA[A>G]TACTGTATAGCTTGCCAAAAGTAGGTACTTCAATTGTGTGTGAGATGTGGGGAAGCTGGA-3'
Protein context (NP_000375.3, residues 2751-2771): EVPTFGKLYS[Ile2761Thr]LKIQSPLFTL